The following is an entry in ClinVar:

ClinVar aggregate classification (germline): Benign/Likely benign. Review status: criteria provided, multiple submitters, no conflicts (2 of 4 stars). 2 submissions from 2 submitters: Benign (1); Likely benign (1). Last evaluated 2024-05-16.

Conditions:
Ataxia-telangiectasia syndrome (AT). Also called: Cerebello-oculocutaneous telangiectasia; Immunodeficiency with ataxia telangiectasia; Ataxia telangiectasia (A-T); LOUIS-BAR SYNDROME; Ataxia-telangiectasia, complementation group D; AT, COMPLEMENTATION GROUP C. Identifiers: Orphanet 100, MedGen C0004135, MONDO:0008840, OMIM 208900.
Familial cancer of breast. Also called: hereditary breast carcinoma; BREAST CANCER, FAMILIAL; Hereditary breast cancer. Identifiers: Orphanet 227535, MedGen C0346153, MONDO:0016419, OMIM 114480. Disease mechanism: loss of function.

Submissions (2):

Myriad Genetics, Inc.
Classification: Benign for Familial cancer of breast. Last evaluated: 2024-05-16. Review status: criteria provided, single submitter. Criteria: Myriad Autosomal Dominant, Autosomal Recessive and X-Linked Classification Criteria (2023). Collection method: clinical testing. Allele origin: unknown.
Comment: This variant is considered benign. This variant is a silent/synonymous amino acid change and it is not expected to impact splicing.

Labcorp Genetics (formerly Invitae), Labcorp
Classification: Likely benign for Ataxia-telangiectasia syndrome. Last evaluated: 2022-07-13. Review status: criteria provided, single submitter. Criteria: Invitae Variant Classification Sherloc (09022015). Collection method: clinical testing. Allele origin: germline.

NM_000051.4(ATM):c.4065A>G (p.Ala1355=)

Gene: ATM (ATM serine/threonine kinase; plus strand). Cytogenetic location: 11q22.3.
Variant type: single nucleotide variant.
Coding change: c.4065A>G on transcript NM_000051.4 (MANE Select); coding-DNA position 4065, A replaced by G.
Protein change: p.Ala1355=; no amino-acid change (alanine 1355 retained).
Molecular consequence: synonymous variant.
Genome position (GRCh38, 1-based): chr11:108,287,671, A>G. VCF-style: chr11-108287671-A-G. GRCh37 (hg19) VCF-style: chr11-108158398-A-G.
Other names: c.4065A>G, p.Ala1355= (NM_001351834.2).
Identifiers: ClinVar variation 2016737 (VCV002016737.5), dbSNP rs2546898484, ClinGen allele CA476673594.